The following is an entry in ClinVar:

ClinVar aggregate classification (germline): Uncertain significance (1 of 4 stars; one submission).

Submission:

Labcorp Genetics (formerly Invitae), Labcorp
Classification: Uncertain significance. Last evaluated: 2023-07-12. Review status: criteria provided, single submitter. Criteria: Invitae Variant Classification Sherloc (09022015). Collection method: clinical testing. Allele origin: germline.
Comment: This sequence change replaces glutamine, which is neutral and polar, with lysine, which is basic and polar, at codon 98 of the NSD1 protein (p.Gln98Lys). This variant is not present in population databases (gnomAD no frequency). This variant has not been reported in the literature in individuals affected with NSD1-related conditions. Advanced modeling of protein sequence and biophysical properties (such as structural, functional, and spatial information, amino acid conservation, physicochemical variation, residue mobility, and thermodynamic stability) performed at Invitae indicates that this missense variant is not expected to disrupt NSD1 protein function. In summary, the available evidence is currently insufficient to determine the role of this variant in disease. Therefore, it has been classified as a Variant of Uncertain Significance.

NM_022455.5(NSD1):c.292C>A (p.Gln98Lys)

Gene: NSD1 (nuclear receptor binding SET domain protein 1; plus strand). Cytogenetic location: 5q35.3.
Variant type: single nucleotide variant.
Coding change: c.292C>A on transcript NM_022455.5 (MANE Select); coding-DNA position 292, C replaced by A.
Protein change: p.Gln98Lys; replaces glutamine 98 with lysine.
Molecular consequence: missense variant. On other transcripts: intron variant (7).
Genome position (GRCh38, 1-based): chr5:177,135,395, C>A. VCF-style: chr5-177135395-C-A. GRCh37 (hg19) VCF-style: chr5-176562396-C-A.
Other names: c.292C>A, p.Gln98Lys (NM_001409301.1, NM_001409302.1, NM_001409303.1 and 1 more transcripts); c.-37+195C>A (NM_001409305.1, NM_001409306.1, NM_001409308.1 and 4 more transcripts); short protein forms Q98K.
Identifiers: ClinVar variation 3668695 (VCV003668695.2).